The following is an entry in ClinVar:

ClinVar aggregate classification (germline): Uncertain significance. Review status: criteria provided, multiple submitters, no conflicts (2 of 4 stars). 3 submissions from 2 submitters: Uncertain significance (3). Last evaluated 2024-10-21.

Conditions:
Glucose-6-phosphate transport defect (GSD1B). Also called: Glycogen Storage Disease Type Ib; GSD Ib. Identifiers: Orphanet 364, Orphanet 79259, MedGen C0268146, MONDO:0009288, OMIM 232220.
Phosphate transport defect (GSD1C). Also called: GLYCOGEN STORAGE DISEASE Ic; GSD Ic. Identifiers: Orphanet 364, Orphanet 79259, MedGen C0342749, OMIM 232240.

Allele frequency attached by ClinVar (database versions not stated): gnomAD exomes below 0.00001.

Submissions (3):

Labcorp Genetics (formerly Invitae), Labcorp
Classification: Uncertain significance for Glucose-6-phosphate transport defect. Last evaluated: 2024-10-21. Review status: criteria provided, single submitter. Criteria: Invitae Variant Classification Sherloc (09022015). Collection method: clinical testing. Allele origin: germline.
Comment: This sequence change replaces phenylalanine, which is neutral and non-polar, with leucine, which is neutral and non-polar, at codon 237 of the SLC37A4 protein (p.Phe237Leu). This variant is present in population databases (no rsID available, gnomAD no frequency). This variant has not been reported in the literature in individuals affected with SLC37A4-related conditions. ClinVar contains an entry for this variant (Variation ID: 1209841). Invitae Evidence Modeling of protein sequence and biophysical properties (such as structural, functional, and spatial information, amino acid conservation, physicochemical variation, residue mobility, and thermodynamic stability) indicates that this missense variant is not expected to disrupt SLC37A4 protein function with a negative predictive value of 80%. In summary, the available evidence is currently insufficient to determine the role of this variant in disease. Therefore, it has been classified as a Variant of Uncertain Significance.

Genome-Nilou Lab
Classification: Uncertain significance for Glucose-6-phosphate transport defect. Last evaluated: 2021-07-22. Review status: criteria provided, single submitter. Criteria: ACMG Guidelines, 2015. Collection method: clinical testing. Allele origin: germline. Affected: no.

Genome-Nilou Lab
Classification: Uncertain significance for Phosphate transport defect. Last evaluated: 2021-07-22. Review status: criteria provided, single submitter. Criteria: ACMG Guidelines, 2015. Collection method: clinical testing. Allele origin: germline. Affected: no.

NM_001164277.2(SLC37A4):c.711T>G (p.Phe237Leu)

Gene: SLC37A4 (solute carrier family 37 member 4; minus strand). Cytogenetic location: 11q23.3.
Variant type: single nucleotide variant.
Coding change: c.711T>G on transcript NM_001164277.2 (MANE Select); coding-DNA position 711, T replaced by G.
Protein change: p.Phe237Leu; replaces phenylalanine 237 with leucine.
Molecular consequence: missense variant.
Genome position (GRCh38, 1-based): chr11:119,027,010, A>C on the plus strand (T>G on the coding strand, the complement: SLC37A4 is on the minus strand). VCF-style: chr11-119027010-A-C. GRCh37 (hg19) VCF-style: chr11-118897720-A-C.
Other names: c.711T>G, p.Phe237Leu (NM_001164278.2, NM_001164280.2, NM_001467.6); c.492T>G, p.Phe164Leu (NM_001164279.2); short protein forms F164L, F237L.
Identifiers: ClinVar variation 1209841 (VCV001209841.8), dbSNP rs1295327218, ClinGen allele CA382901269.